The following is an entry in ClinVar:

NM_024422.6(DSC2):c.1931G>A (p.Gly644Asp)

Gene: DSC2 (desmocollin 2; minus strand). Cytogenetic location: 18q12.1.
Variant type: single nucleotide variant.
Coding change: c.1931G>A on transcript NM_024422.6 (MANE Select); coding-DNA position 1931, G replaced by A.
Protein change: p.Gly644Asp; replaces glycine 644 with aspartic acid.
Molecular consequence: missense variant.
Genome position (GRCh38, 1-based): chr18:31,071,799, C>T on the plus strand (G>A on the coding strand, the complement: DSC2 is on the minus strand). VCF-style: chr18-31071799-C-T. GRCh37 (hg19) VCF-style: chr18-28651765-C-T.
Other names: c.1502G>A, p.Gly501Asp (NM_001406506.1, NM_001406507.1); c.1931G>A, p.Gly644Asp (NM_004949.5); short protein forms G501D, G644D.
Identifiers: ClinVar variation 3615973 (VCV003615973.2).

ClinVar aggregate classification (germline): Uncertain significance (1 of 4 stars; one submission).

Conditions:
Arrhythmogenic right ventricular dysplasia 11. Also called: ARRHYTHMOGENIC RIGHT VENTRICULAR DYSPLASIA, FAMILIAL, 11; Arrhythmogenic Right Ventricular Dysplasia/Cardiomyopathy11; Arrhythmogenic right ventricular dysplasia 11 with mild palmoplantar keratoderma and woolly hair. Identifiers: MedGen C1864850, MONDO:0012506, OMIM 610476.

gnomAD v4.1: 1 of 1,613,804 alleles (0.000062%); highest among the groups gnomAD compares: Non-Finnish European, 0.000085%; no homozygotes.

Submission:

Labcorp Genetics (formerly Invitae), Labcorp
Classification: Uncertain significance for Arrhythmogenic right ventricular dysplasia 11. Last evaluated: 2024-08-12. Review status: criteria provided, single submitter. Criteria: Invitae Variant Classification Sherloc (09022015). Collection method: clinical testing. Allele origin: germline.
Comment: This sequence change replaces glycine, which is neutral and non-polar, with aspartic acid, which is acidic and polar, at codon 644 of the DSC2 protein (p.Gly644Asp). This variant is not present in population databases (gnomAD no frequency). This variant has not been reported in the literature in individuals affected with DSC2-related conditions. Advanced modeling of protein sequence and biophysical properties (such as structural, functional, and spatial information, amino acid conservation, physicochemical variation, residue mobility, and thermodynamic stability) performed at Invitae indicates that this missense variant is not expected to disrupt DSC2 protein function with a negative predictive value of 80%. In summary, the available evidence is currently insufficient to determine the role of this variant in disease. Therefore, it has been classified as a Variant of Uncertain Significance.